The following is an entry in ClinVar:

NM_006545.5(NPRL2):c.301A>G (p.Ile101Val)

Gene: NPRL2 (NPR2 like, GATOR1 complex subunit; minus strand). Cytogenetic location: 3p21.31.
Variant type: single nucleotide variant.
Coding change: c.301A>G on transcript NM_006545.5 (MANE Select); coding-DNA position 301, A replaced by G.
Protein change: p.Ile101Val; replaces isoleucine 101 with valine.
Molecular consequence: missense variant.
Genome position (GRCh38, 1-based): chr3:50,349,703, T>C on the plus strand (A>G on the coding strand, the complement: NPRL2 is on the minus strand). VCF-style: chr3-50349703-T-C. GRCh37 (hg19) VCF-style: chr3-50387134-T-C.
Other names: short protein forms I101V.
Identifiers: ClinVar variation 3371191 (VCV003371191.1).

ClinVar aggregate classification (germline): Uncertain significance (1 of 4 stars; one submission).

gnomAD v4.1: 2 of 1,613,512 alleles (0.00012%); highest among the groups gnomAD compares: Non-Finnish European, 0.00017%; no homozygotes.

Submission:

GeneDx
Classification: Uncertain significance. Last evaluated: 2024-03-19. Review status: criteria provided, single submitter. Criteria: GeneDx Variant Classification Process June 2021. Collection method: clinical testing. Allele origin: germline. Affected: yes.
Comment: Not observed at significant frequency in large population cohorts (gnomAD); In silico analysis supports that this missense variant does not alter protein structure/function; Has not been previously published as pathogenic or benign to our knowledge